The following is an entry in ClinVar:

NM_004004.6(GJB2):c.677T>G (p.Val226Gly)

Gene: GJB2 (gap junction protein beta 2; minus strand). Cytogenetic location: 13q12.11.
Variant type: single nucleotide variant.
Coding change: c.677T>G on transcript NM_004004.6 (MANE Select); coding-DNA position 677, T replaced by G.
Protein change: p.Val226Gly; replaces valine 226 with glycine.
Molecular consequence: missense variant.
Genome position (GRCh38, 1-based): chr13:20,188,905, A>C on the plus strand (T>G on the coding strand, the complement: GJB2 is on the minus strand). VCF-style: chr13-20188905-A-C. GRCh37 (hg19) VCF-style: chr13-20763044-A-C.
Other names: NM_004004.5(GJB2):c.677T>G(p.Val226Gly); NM_004004.5(GJB2):c.677T>G; NM_004004.6(GJB2):c.677T>G; short protein forms V226G.
Identifiers: ClinVar variation 447450 (VCV000447450.18), dbSNP rs773846324, ClinGen allele CA6904209.

ClinVar aggregate classification (germline): Uncertain significance. Review status: reviewed by expert panel (3 of 4 stars). 9 submissions from 9 submitters: Uncertain significance (1). 8 of the submissions do not count toward it. Last evaluated 2023-09-26.

Conditions:
Nonsyndromic genetic hearing loss. Also called: Nonsyndromic hearing loss and deafness; Non-syndromic genetic deafness; Nonsyndromic genetic deafness. Identifiers: Orphanet 87884, MedGen C5680182, MONDO:0019497.
Autosomal recessive nonsyndromic hearing loss 1A (DFNB1A). Also called: Nonsyndromic Hearing Loss and Deafness, DFNB1; GJB6-Related DFNB 1 Nonsyndromic Hearing Loss and Deafness; Deafness, autosomal recessive 1A; Connexin 26 deafness; Deafness nonsyndromic, Connexin 26 linked; GJB2-Related Autosomal Recessive Nonsyndromic Hearing Loss. Identifiers: Orphanet 90636, MedGen C2673759, MONDO:0009076, OMIM 220290.
Mutilating keratoderma (VOWNKL). Also called: Keratoderma hereditarium mutilans. Identifiers: Orphanet 494, MedGen C0265964, MONDO:0007422, OMIM 124500.
Ichthyosis, hystrix-like, with hearing loss. Also called: Hystrix-like ichthyosis with deafness. Identifiers: Orphanet 477, MedGen C1865234, MONDO:0011245.
X-linked mixed hearing loss with perilymphatic gusher. Also called: NANCE DEAFNESS; PERILYMPHATIC GUSHER-DEAFNESS SYNDROME; SENSORINEURAL DEAFNESS, PROFOUND, WITH OR WITHOUT A CONDUCTIVE COMPONENT, ASSOCIATED WITH A UNIQUE DEVELOPMENTAL ABNORMALITY OF THE EAR; Deafness, X-linked 2; Gusher syndrome. Identifiers: Orphanet 383, MedGen C1844678, MONDO:0010576, OMIM 304400.
Autosomal dominant keratitis-ichthyosis-hearing loss syndrome. Also called: KID SYNDROME, AUTOSOMAL DOMINANT; Senter syndrome; HID SYNDROME. Identifiers: Orphanet 477, MedGen C0265336, MONDO:0007850, OMIM 148210.
Palmoplantar keratoderma-deafness syndrome. Also called: Keratoderma palmoplantar, with deafness; Palmoplantar keratoderma and sensorineural deafness; Hereditary palmoplantar keratoderma with deafness (subtype); Focal palmoplantar keratoderma with sensorineural deafness (subtype); Diffuse palmoplantar keratoderma with deafness (subtype). Identifiers: Orphanet 2202, MedGen C1835672, MONDO:0007852, OMIM 148350.
Knuckle pads, deafness AND leukonychia syndrome. Also called: Bart-Pumphrey syndrome. Identifiers: Orphanet 2698, MedGen C0266004, MONDO:0007866, OMIM 149200.
Autosomal dominant nonsyndromic hearing loss 3A. Identifiers: Orphanet 90635, MedGen C2675750, MONDO:0011103, OMIM 601544.

Allele frequency attached by ClinVar (database versions not stated): gnomAD exomes 0.00001; ExAC 0.00001; TOPMed 0.00002; gnomAD 0.00002.
gnomAD v4.1: 40 of 1,612,322 alleles (0.0025%); highest among the groups gnomAD compares: Admixed American, 0.0033%; no homozygotes.

Submissions (9):

ClinGen Hearing Loss Variant Curation Expert Panel
Classification: Uncertain significance for Nonsyndromic genetic hearing loss. Last evaluated: 2023-09-26. Review status: reviewed by expert panel. Criteria: Clingen Hl Acmg Specifications Cdh23 Coch Gjb2 Kcnq4 Myo6 Myo7a Slc26a4 Tecta Ush2a V2. Collection method: curation. Allele origin: germline. Inheritance: Autosomal recessive inheritance.
Comment: The c.677T>G variant in GJB2 is a missense variant predicted to cause substitution of valine to glycine at amino acid 226. The highest population minor allele frequency in gnomAD v2.1.1 is 0.003% (1/35370) in Latino/Admixed American chromosomes, which is below the PM2_Supporting thresholds defined by the ClinGen Hearing Loss Expert Panel (less than or equal to 0.007%) for autosomal recessive disorders (PM2_Supporting). The computational predictor REVEL gives a score of 0.586 which is neither above nor below the thresholds predicting a damaging or benign impact on USH2A function (no criteria met). It has been reported in the literature in one heterozygous individual with hearing loss; however, a second variant was not identified and there was no reported family history of hearing loss (no criteria met; PMID: 17666888). This variant has been reported by several clinical laboratories in ClinVar as a variant of uncertain significance (ClinVar Variation ID: 447450). Internal laboratory evidence indicates that the variant has been identified in at least three individuals with hearing loss in the heterozygous state without a second GJB2 variant. In summary, this variant is classified as a variant of uncertain significance based on the ACMG/AMP criteria applied, as specified by the ClinGen Hearing Loss VCEP; PM2_Supporting. The ClinGen Hearing Loss VCEP Specifications Version 2; 09/26/2023.

Revvity Omics, Revvity
Classification: Uncertain significance. Last evaluated: 2025-02-03. Review status: criteria provided, single submitter. Criteria: ACMG Guidelines, 2015. Collection method: clinical testing. Allele origin: germline. Not counted in ClinVar's aggregate classification.

Blueprint Genetics
Classification: Uncertain significance. Last evaluated: 2024-09-25. Review status: criteria provided, single submitter. Criteria: ACMG Guidelines, 2015. Collection method: clinical testing. Allele origin: germline. Not counted in ClinVar's aggregate classification.

Fulgent Genetics
Classification: Uncertain significance for Mutilating keratoderma; Autosomal dominant keratitis-ichthyosis-hearing loss syndrome; Palmoplantar keratoderma-deafness syndrome; Knuckle pads, deafness AND leukonychia syndrome; Autosomal recessive nonsyndromic hearing loss 1A; X-linked mixed hearing loss with perilymphatic gusher; Autosomal dominant nonsyndromic hearing loss 3A. Last evaluated: 2021-10-05. Review status: criteria provided, single submitter. Criteria: ACMG Guidelines, 2015. Collection method: clinical testing. Allele origin: unknown. Not counted in ClinVar's aggregate classification.

Labcorp Genetics (formerly Invitae), Labcorp
Classification: Uncertain significance. Last evaluated: 2021-09-24. Review status: criteria provided, single submitter. Criteria: Invitae Variant Classification Sherloc (09022015). Collection method: clinical testing. Allele origin: germline. Not counted in ClinVar's aggregate classification.
Comment: This sequence change replaces valine with glycine at codon 226 of the GJB2 protein (p.Val226Gly). The valine residue is highly conserved and there is a moderate physicochemical difference between valine and glycine. This variant is present in population databases (rs773846324, ExAC 0.009%). This variant has been observed in individual(s) with deafness (PMID: 20201936; Invitae). ClinVar contains an entry for this variant (Variation ID: 447450). Algorithms developed to predict the effect of missense changes on protein structure and function are either unavailable or do not agree on the potential impact of this missense change (SIFT: "Deleterious"; PolyPhen-2: "Benign"; Align-GVGD: "Class C15"). Algorithms developed to predict the effect of sequence changes on RNA splicing suggest that this variant may create or strengthen a splice site. In summary, the available evidence is currently insufficient to determine the role of this variant in disease. Therefore, it has been classified as a Variant of Uncertain Significance.

Laboratory for Molecular Medicine, Mass General Brigham Personalized Medicine
Classification: Uncertain significance. Last evaluated: 2017-02-28. Review status: criteria provided, single submitter. Criteria: LMM Criteria. Collection method: clinical testing. Allele origin: germline. Observed: 1 variant allele. Not counted in ClinVar's aggregate classification.
Comment: The p.Val226Gly variant in GJB2 has been reported in the heterozygous state in o ne individual with hearing loss (Putcha 2007). This variant has been identified in 1/11448 Latino chromosomes by the Exome Aggregation Consortium (ExAC; dbSNP rs773846324). Although this variant has been seen in the general population, its frequency is not high enough to rule out a patho genic role. Computational prediction tools and conservation analysis do not prov ide strong support for or against an impact to the protein. In summary, the clin ical significance of the p.Val226Gly variant is uncertain.

Athena Diagnostics
Classification: Uncertain significance. Last evaluated: 2016-09-30. Review status: criteria provided, single submitter. Criteria: Athena Diagnostics Criteria. Collection method: clinical testing. Allele origin: germline. Not counted in ClinVar's aggregate classification.

Natera, Inc.
Classification: Uncertain significance for Autosomal recessive deafness type 1A. Last evaluated: 2020-08-31. Review status: no assertion criteria provided. Collection method: clinical testing. Allele origin: germline. Not counted in ClinVar's aggregate classification.

Counsyl
Classification: Uncertain significance for Autosomal recessive nonsyndromic hearing loss 1A. Last evaluated: 2017-01-04. Review status: no assertion criteria provided. Collection method: clinical testing. Allele origin: unknown. Not counted in ClinVar's aggregate classification.

Literature cited by the submitters: PubMed 20201936 (cited by Labcorp Genetics (formerly Invitae), Labcorp); PubMed 17666888 (cited by 3 submitters); PubMed 27153395 (cited by Laboratory for Molecular Medicine, Mass General Brigham Personalized Medicine); PubMed 25388846 (cited by Laboratory for Molecular Medicine, Mass General Brigham Personalized Medicine).